The following is an entry in ClinVar:

NM_152703.5(SAMD9L):c.3324G>C (p.Gln1108His)

Gene: SAMD9L (sterile alpha motif domain containing 9 like; minus strand). Cytogenetic location: 7q21.2.
Variant type: single nucleotide variant.
Coding change: c.3324G>C on transcript NM_152703.5 (MANE Select); coding-DNA position 3324, G replaced by C.
Protein change: p.Gln1108His; replaces glutamine 1108 with histidine.
Molecular consequence: missense variant.
Genome position (GRCh38, 1-based): chr7:93,132,648, C>G on the plus strand (G>C on the coding strand, the complement: SAMD9L is on the minus strand). VCF-style: chr7-93132648-C-G. GRCh37 (hg19) VCF-style: chr7-92761961-C-G.
Other names: c.3324G>C, p.Gln1108His (NM_001303496.3, NM_001303497.3, NM_001303498.3 and 5 more transcripts); short protein forms Q1108H.
Identifiers: ClinVar variation 3437206 (VCV003437206.1).

ClinVar aggregate classification (germline): Uncertain significance (1 of 4 stars; one submission).

Conditions:
Inborn genetic diseases. Identifiers: MedGen C0950123, MeSH D030342.

gnomAD v4.1: 1 of 1,613,748 alleles (0.000062%); no homozygotes.

Submission:

Ambry Genetics
Classification: Uncertain significance for Inborn genetic diseases. Last evaluated: 2024-11-30. Review status: criteria provided, single submitter. Criteria: Ambry Variant Classification Scheme 2023. Collection method: clinical testing. Allele origin: germline.
Comment: The p.Q1108H variant (also known as c.3324G>C), located in coding exon 1 of the SAMD9L gene, results from a G to C substitution at nucleotide position 3324. The glutamine at codon 1108 is replaced by histidine, an amino acid with highly similar properties. This amino acid position is conserved. In addition, this alteration is predicted to be tolerated by in silico analysis. Based on the available evidence, the clinical significance of this variant remains unclear.